The following is an entry in ClinVar:

ClinVar aggregate classification (germline): Uncertain significance. Review status: criteria provided, multiple submitters, no conflicts (2 of 4 stars). 2 submissions from 2 submitters: Uncertain significance (2). Last evaluated 2023-10-27.

Conditions:
Autosomal dominant nonsyndromic hearing loss 25. Identifiers: Orphanet 90635, MedGen C1854158, MONDO:0011568, OMIM 605583.

Submissions (2):

Clinical Genomics Laboratory, Washington University in St. Louis
Classification: Uncertain significance for Autosomal dominant nonsyndromic hearing loss 25. Last evaluated: 2023-10-27. Review status: criteria provided, single submitter. Criteria: ACMG Guidelines, 2015. Collection method: clinical testing. Allele origin: germline.
Comment: The SLC17A8 c.1328dup (p.Arg444ThrfsTer35) variant, to our knowledge, has not been reported in the medical literature and is absent from the general population (gnomAD v.2.1.1), indicating it is not a common variant. This variant causes a frameshift by duplicating a single nucleotide, leading to a premature termination codon; however, because this occurs in the penultimate exon, this is not predicted to lead to nonsense mediated decay. If nonsense mediated decay does not occur, this variant would be predicted to alter protein confirmation as this variant causes a frameshift in one of the transmembrane domains. Due to limited information, and based on ACMG/AMP guidelines for variant interpretation (Richards S et al., PMID: 25741868), the clinical significance of this variant is uncertain at this time.

GeneDx
Classification: Uncertain significance. Last evaluated: 2023-05-16. Review status: criteria provided, single submitter. Criteria: GeneDx Variant Classification Process June 2021. Collection method: clinical testing. Allele origin: germline. Affected: yes.
Comment: Frameshift variant predicted to result in protein truncation as the last 146 amino acids are replaced with 34 different amino acids, although loss-of-function variants have not been reported downstream of this position in the protein; Not observed at significant frequency in large population cohorts (gnomAD); Has not been previously published as pathogenic or benign to our knowledge

NM_139319.3(SLC17A8):c.1328dup (p.Arg444fs)

Gene: SLC17A8 (solute carrier family 17 member 8; plus strand). Cytogenetic location: 12q23.1.
Variant type: Duplication.
Coding change: c.1328dup on transcript NM_139319.3 (MANE Select); coding-DNA position 1328, one base duplicated (C; older notation c.1328dupC).
Protein change: p.Arg444fs; shifts the reading frame from arginine 444.
Molecular consequence: frameshift variant.
Genome position (GRCh38, 1-based): chr12:100,418,059, C duplicated; the last of 4 consecutive C bases (chr12:100,418,056-100,418,059); duplicating any one gives the same sequence. VCF-style (leftmost placement, unchanged base first): chr12-100418055-G-GC. GRCh37 (hg19) VCF-style: chr12-100811833-G-GC.
Other names: c.1178dup, p.Arg394fs (NM_001145288.2); short protein forms R394fs, R444fs.
Identifiers: ClinVar variation 2662215 (VCV002662215.2), dbSNP rs1402909441, ClinGen allele CA606828372.